The following is an entry in ClinVar:

ClinVar aggregate classification (germline): Benign (1 of 4 stars; one submission).

Allele frequency attached by ClinVar (database versions not stated): gnomAD 0.02435 and 0.02598; TOPMed 0.02715; 1000 Genomes Project 0.02855; 1000 Genomes Project 30x 0.03107.
gnomAD v4.1: 6,292 of 1,171,848 alleles (0.54%); highest among the groups gnomAD compares: African/African-American, 8.3%; 284 homozygotes.

Submission:

GeneDx
Classification: Benign. Last evaluated: 2018-06-14. Review status: criteria provided, single submitter. Criteria: GeneDx Variant Classification (06012015). Collection method: clinical testing. Allele origin: germline. Affected: yes.
Comment: This variant is considered likely benign or benign based on one or more of the following criteria: it is a conservative change, it occurs at a poorly conserved position in the protein, it is predicted to be benign by multiple in silico algorithms, and/or has population frequency not consistent with disease.

NM_001844.5(COL2A1):c.2626-94C>T

Gene: COL2A1 (collagen type II alpha 1 chain; minus strand). Cytogenetic location: 12q13.11.
Variant type: single nucleotide variant.
Coding change: c.2626-94C>T on transcript NM_001844.5 (MANE Select); 94 bases into the intron before coding-DNA position 2626, C replaced by T.
Molecular consequence: intron variant.
Genome position (GRCh38, 1-based): chr12:47,980,156, G>A on the plus strand (C>T on the coding strand, the complement: COL2A1 is on the minus strand). VCF-style: chr12-47980156-G-A. GRCh37 (hg19) VCF-style: chr12-48373939-G-A.
Other names: c.2419-94C>T (NM_033150.3).
Identifiers: ClinVar variation 676699 (VCV000676699.1), dbSNP rs58783688, ClinGen allele CA236522921.